The following is an entry in ClinVar:

NM_001042492.3(NF1):c.6643-3T>G

Gene: NF1 (neurofibromin 1; plus strand). Cytogenetic location: 17q11.2.
Variant type: single nucleotide variant.
Coding change: c.6643-3T>G on transcript NM_001042492.3 (MANE Select); 3 bases into the intron before coding-DNA position 6643, T replaced by G.
Molecular consequence: intron variant.
Genome position (GRCh38, 1-based): chr17:31,337,816, T>G. VCF-style: chr17-31337816-T-G. GRCh37 (hg19) VCF-style: chr17-29664834-T-G.
Other names: c.6580-3T>G (NM_000267.4).
Identifiers: ClinVar variation 1020570 (VCV001020570.5), dbSNP rs1326745383, ClinGen allele CA2255602578.

ClinVar aggregate classification (germline): Uncertain significance (1 of 4 stars; one submission).

Conditions:
Neurofibromatosis, type 1 (NF1). Also called: Peripheral type neurofibromatosis; Neurofibromatosis, type I; VON RECKLINGHAUSEN DISEASE; NEUROFIBROMATOSIS, TYPE I, SOMATIC. Identifiers: Orphanet 636, MedGen C0027831, MONDO:0018975, OMIM 162200. Disease mechanism: loss of function.

Submission:

Labcorp Genetics (formerly Invitae), Labcorp
Classification: Uncertain significance for Neurofibromatosis, type 1. Last evaluated: 2021-02-18. Review status: criteria provided, single submitter. Criteria: Invitae Variant Classification Sherloc (09022015). Collection method: clinical testing. Allele origin: germline.
Comment: In summary, the available evidence is currently insufficient to determine the role of this variant in disease. Therefore, it has been classified as a Variant of Uncertain Significance. Algorithms developed to predict the effect of sequence changes on RNA splicing suggest that this variant may disrupt the consensus splice site, but this prediction has not been confirmed by published transcriptional studies. This variant has been observed in individual(s) with clinical features of neurofibromatosis type 1 (Invitae). This variant is not present in population databases (ExAC no frequency). This sequence change falls in intron 42 of the NF1 gene. It does not directly change the encoded amino acid sequence of the NF1 protein, but it affects a nucleotide within the consensus splice site of the intron.